The following is an entry in ClinVar:

NM_000051.4(ATM):c.3022del (p.Ser1008fs)

Gene: ATM (ATM serine/threonine kinase; plus strand). Cytogenetic location: 11q22.3.
Variant type: Deletion.
Coding change: c.3022del on transcript NM_000051.4 (MANE Select); coding-DNA position 3022, one base deleted (T; older notation c.3022delT).
Protein change: p.Ser1008fs; shifts the reading frame from serine 1008.
Molecular consequence: frameshift variant.
Genome position (GRCh38, 1-based): chr11:108,271,351, T deleted. VCF-style (leftmost placement, unchanged base first): chr11-108271350-CT-C. GRCh37 (hg19) VCF-style: chr11-108142077-CT-C.
Other names: c.3022del, p.Ser1008fs (NM_001351834.2); short protein forms S1008fs.
Identifiers: ClinVar variation 3965843 (VCV003965843.1).
Genomic context (GRCh38, chr11:108,271,350, plus strand): 5'-TAAAACTATTTTAAACCATGTCCTTCATGTAGTGAAAAACCTAGGTCAAAGCAATATGGA[CT>C]CTGAGAACACAAGGGATGCTCAAGGACAGTTTCTTACAGTAATTGGAGCATTTTGGTAGG-3'

ClinVar aggregate classification (germline): Pathogenic (1 of 4 stars; one submission).

Conditions:
Hereditary cancer-predisposing syndrome. Also called: Tumor predisposition; Hereditary neoplastic syndrome; Hereditary Cancer Syndrome; Neoplastic Syndromes, Hereditary. Identifiers: Orphanet 140162, MedGen C0027672, MeSH D009386, MONDO:0015356.

Submission:

Ambry Genetics
Classification: Pathogenic for Hereditary cancer-predisposing syndrome. Last evaluated: 2025-04-01. Review status: criteria provided, single submitter. Criteria: Ambry Variant Classification Scheme 2023. Collection method: clinical testing. Allele origin: germline.
Comment: The c.3022delT pathogenic mutation, located in coding exon 19 of the ATM gene, results from a deletion of one nucleotide at nucleotide position 3022, causing a translational frameshift with a predicted alternate stop codon (p.S1008Lfs*14). This variant is considered to be rare based on population cohorts in the Genome Aggregation Database (gnomAD). This alteration is expected to result in loss of function by premature protein truncation or nonsense-mediated mRNA decay. As such, this alteration is interpreted as a disease-causing mutation.